The following is an entry in ClinVar:

NM_014712.3(SETD1A):c.990C>T (p.Thr330=)

Gene: SETD1A (SET domain containing 1A, histone lysine methyltransferase; plus strand). Cytogenetic location: 16p11.2.
Variant type: single nucleotide variant.
Coding change: c.990C>T on transcript NM_014712.3 (MANE Select); coding-DNA position 990, C replaced by T.
Protein change: p.Thr330=; no amino-acid change (threonine 330 retained).
Molecular consequence: synonymous variant.
Genome position (GRCh38, 1-based): chr16:30,964,732, C>T. VCF-style: chr16-30964732-C-T. GRCh37 (hg19) VCF-style: chr16-30976053-C-T.
Identifiers: ClinVar variation 2646424 (VCV002646424.24), dbSNP rs1266034763, ClinGen allele CA494917441.
Genomic context (GRCh38, chr16:30,964,732, plus strand): 5'-CCGCCGCCACTTCTCTGCATCTTCAGCCTCCACAACCGCCTCCACGGCCATCGCCGCCAC[C>T]ACTGCAGCCACTGCCTCATCCTCCGCCTCTTCCTCCTCATTGTCCTCGTCCTCCTCGTCA-3'
Protein context (NP_055527.1, residues 320-340): STTASTAIAA[Thr330=]TAATASSSAS

ClinVar aggregate classification (germline): Likely benign (1 of 4 stars; one submission).

Allele frequency attached by ClinVar (database versions not stated): gnomAD exomes below 0.00001; gnomAD 0.00001.
gnomAD v4.1: 3 of 1,614,112 alleles (0.00019%); highest among the groups gnomAD compares: African/African-American, 0.0013%; no homozygotes.

Submission:

CeGaT Center for Human Genetics Tuebingen
Classification: Likely benign. Last evaluated: 2023-03-01. Review status: criteria provided, single submitter. Criteria: CeGaT Center For Human Genetics Tuebingen Variant Classification Criteria Version 2. Collection method: clinical testing. Allele origin: germline. Affected: yes. Observed: 1 variant allele.
Comment: SETD1A: BP4, BP7